The following is an entry in ClinVar:

ClinVar aggregate classification (germline): Likely benign. Review status: criteria provided, multiple submitters, no conflicts (2 of 4 stars). 2 submissions from 2 submitters: Likely benign (2). Last evaluated 2026-08-24.

Conditions:
KIF12-related disorder. Also called: KIF12-related condition.

Allele frequency attached by ClinVar (database versions not stated): ESP Exome Variant Server 0.00023; TOPMed 0.00024; 1000 Genomes Project 30x 0.00031; gnomAD 0.00032; gnomAD exomes 0.00039; 1000 Genomes Project 0.00040; ExAC 0.00054.
gnomAD v4.1: 630 of 1,611,732 alleles (0.039%); highest among the groups gnomAD compares: Middle Eastern, 0.2%; no homozygotes.

Submissions (2):

PreventionGenetics, part of Exact Sciences
Classification: Likely benign for KIF12-related condition. Last evaluated: 2026-08-24. Review status: criteria provided, single submitter. Criteria: ACMG Guidelines, 2015. Collection method: clinical testing. Allele origin: germline.
Comment: This variant is classified as likely benign based on ACMG/AMP sequence variant interpretation guidelines (Richards et al. 2015 PMID: 25741868, with internal and published modifications).

Labcorp Genetics (formerly Invitae), Labcorp
Classification: Likely benign. Last evaluated: 2024-11-18. Review status: criteria provided, single submitter. Criteria: Invitae Variant Classification Sherloc (09022015). Collection method: clinical testing. Allele origin: germline.

NM_001388308.1(KIF12):c.1683G>A (p.Lys561=)

Gene: KIF12 (kinesin family member 12; minus strand). Cytogenetic location: 9q32.
Variant type: single nucleotide variant.
Coding change: c.1683G>A on transcript NM_001388308.1 (MANE Select); coding-DNA position 1683, G replaced by A.
Protein change: p.Lys561=; no amino-acid change (lysine 561 retained).
Molecular consequence: synonymous variant.
Genome position (GRCh38, 1-based): chr9:114,092,556, C>T on the plus strand (G>A on the coding strand, the complement: KIF12 is on the minus strand). VCF-style: chr9-114092556-C-T. GRCh37 (hg19) VCF-style: chr9-116854836-C-T.
Other names: c.1269G>A, p.Lys423= (NM_138424.2); c.1269G>A (NM_138424.1).
Identifiers: ClinVar variation 2068438 (VCV002068438.5), dbSNP rs376000496, ClinGen allele CA5200444.